The following is an entry in ClinVar:

ClinVar aggregate classification (germline): Uncertain significance (1 of 4 stars; one submission).

Allele frequency attached by ClinVar (database versions not stated): gnomAD 0.00001; gnomAD exomes 0.00001; TOPMed 0.00001.
gnomAD v4.1: 11 of 1,612,492 alleles (0.00068%); highest among the groups gnomAD compares: Admixed American, 0.0017%; no homozygotes.

Submission:

Labcorp Genetics (formerly Invitae), Labcorp
Classification: Uncertain significance. Last evaluated: 2023-03-03. Review status: criteria provided, single submitter. Criteria: Invitae Variant Classification Sherloc (09022015). Collection method: clinical testing. Allele origin: germline.
Comment: In summary, the available evidence is currently insufficient to determine the role of this variant in disease. Therefore, it has been classified as a Variant of Uncertain Significance. An algorithm developed to predict the effect of missense changes on protein structure and function (PolyPhen-2) suggests that this variant is likely to be tolerated. This variant has not been reported in the literature in individuals affected with ATAD1-related conditions. This variant is not present in population databases (gnomAD no frequency). This sequence change replaces proline, which is neutral and non-polar, with serine, which is neutral and polar, at codon 330 of the ATAD1 protein (p.Pro330Ser).

NM_001321967.2(ATAD1):c.988C>T (p.Pro330Ser)

Gene: ATAD1 (ATPase family AAA domain containing 1; minus strand). Cytogenetic location: 10q23.31.
Variant type: single nucleotide variant.
Coding change: c.988C>T on transcript NM_001321967.2 (MANE Select); coding-DNA position 988, C replaced by T.
Protein change: p.Pro330Ser; replaces proline 330 with serine.
Molecular consequence: missense variant. On other transcripts: non-coding transcript variant (1).
Genome position (GRCh38, 1-based): chr10:87,754,785, G>A on the plus strand (C>T on the coding strand, the complement: ATAD1 is on the minus strand). VCF-style: chr10-87754785-G-A. GRCh37 (hg19) VCF-style: chr10-89514542-G-A.
Other names: c.898C>T, p.Pro300Ser (NM_001321968.2); c.631C>T, p.Pro211Ser (NM_001321969.2); c.988C>T, p.Pro330Ser (NM_032810.4); short protein forms P330S, P300S, P211S.
Identifiers: ClinVar variation 2990336 (VCV002990336.3), dbSNP rs1301536529, ClinGen allele CA377485916.